The following is an entry in ClinVar:

NM_000038.6(APC):c.7660C>A (p.His2554Asn)

Gene: APC (APC regulator of Wnt signaling pathway; plus strand). Cytogenetic location: 5q22.2.
Variant type: single nucleotide variant.
Coding change: c.7660C>A on transcript NM_000038.6 (MANE Select); coding-DNA position 7660, C replaced by A.
Protein change: p.His2554Asn; replaces histidine 2554 with asparagine.
Molecular consequence: missense variant.
Genome position (GRCh38, 1-based): chr5:112,843,254, C>A. VCF-style: chr5-112843254-C-A. GRCh37 (hg19) VCF-style: chr5-112178951-C-A.
Other names: c.7660C>A, p.His2554Asn (NM_001127510.3, NM_001354895.2, NM_001407450.1); c.7606C>A, p.His2536Asn (NM_001127511.3); c.7714C>A, p.His2572Asn (NM_001354896.2, NM_001407447.1, NM_001407448.1 and 1 more transcripts); c.7690C>A, p.His2564Asn (NM_001354897.2); c.7585C>A, p.His2529Asn (NM_001354898.2); c.7576C>A, p.His2526Asn (NM_001354899.2); c.7537C>A, p.His2513Asn (NM_001354900.2); c.7483C>A, p.His2495Asn (NM_001354901.2, NM_001407453.1); and 11 more; short protein forms H2394N, H2536N, H2564N, H2428N, H2463N, H2513N, H2529N, H2547N.
Identifiers: ClinVar variation 1760034 (VCV001760034.2), dbSNP rs1213302882, ClinGen allele CA16037972.

ClinVar aggregate classification (germline): Uncertain significance (1 of 4 stars; one submission).

Conditions:
Hereditary cancer-predisposing syndrome. Also called: Neoplastic Syndromes, Hereditary; Tumor predisposition; Hereditary Cancer Syndrome; Hereditary neoplastic syndrome. Identifiers: Orphanet 140162, MedGen C0027672, MeSH D009386, MONDO:0015356.

gnomAD v4.1: 1 of 1,613,750 alleles (0.000062%); highest among the groups gnomAD compares: Non-Finnish European, 0.000085%; no homozygotes.

Submission:

Ambry Genetics
Classification: Uncertain significance for Hereditary cancer-predisposing syndrome. Last evaluated: 2022-01-19. Review status: criteria provided, single submitter. Criteria: Ambry Variant Classification Scheme 2023. Collection method: clinical testing. Allele origin: germline.
Comment: The p.H2554N variant (also known as c.7660C>A), located in coding exon 15 of the APC gene, results from a C to A substitution at nucleotide position 7660. The histidine at codon 2554 is replaced by asparagine, an amino acid with similar properties. This amino acid position is conserved. In addition, in silico predictors for this gene do not accurately predict pathogenicity. Since supporting evidence is limited at this time, the clinical significance of this alteration remains unclear.